The following is an entry in ClinVar:

ClinVar aggregate classification (germline): Uncertain significance (1 of 4 stars; one submission).

Conditions:
Polyglandular autoimmune syndrome, type 1 (APS1). Also called: AUTOIMMUNE POLYENDOCRINE SYNDROME, TYPE I, WITH OR WITHOUT REVERSIBLE METAPHYSEAL DYSPLASIA; APS I; Autoimmune polyendocrinopathy syndrome, type I; HYPOADRENOCORTICISM WITH HYPOPARATHYROIDISM AND SUPERFICIAL MONILIASIS; PGA I; Autoimmune polyendocrine syndrome type 1. Identifiers: Orphanet 3453, MedGen C0085859, MONDO:0009411, OMIM 240300.

Submission:

Labcorp Genetics (formerly Invitae), Labcorp
Classification: Uncertain significance for Polyglandular autoimmune syndrome, type 1. Last evaluated: 2025-03-30. Review status: criteria provided, single submitter. Criteria: Invitae Variant Classification Sherloc (09022015). Collection method: clinical testing. Allele origin: germline.
Comment: This sequence change replaces glutamic acid, which is acidic and polar, with glutamine, which is neutral and polar, at codon 137 of the AIRE protein (p.Glu137Gln). This variant is not present in population databases (gnomAD no frequency). This variant has not been reported in the literature in individuals affected with AIRE-related conditions. Invitae Evidence Modeling of protein sequence and biophysical properties (such as structural, functional, and spatial information, amino acid conservation, physicochemical variation, residue mobility, and thermodynamic stability) has been performed for this missense variant. However, the output from this modeling did not meet the statistical confidence thresholds required to predict the impact of this variant on AIRE protein function. In summary, the available evidence is currently insufficient to determine the role of this variant in disease. Therefore, it has been classified as a Variant of Uncertain Significance.

NM_000383.4(AIRE):c.409G>C (p.Glu137Gln)

Gene: AIRE (autoimmune regulator; plus strand). Cytogenetic location: 21q22.3.
Variant type: single nucleotide variant.
Coding change: c.409G>C on transcript NM_000383.4 (MANE Select); coding-DNA position 409, G replaced by C.
Protein change: p.Glu137Gln; replaces glutamic acid 137 with glutamine.
Molecular consequence: missense variant.
Genome position (GRCh38, 1-based): chr21:44,287,079, G>C. VCF-style: chr21-44287079-G-C. GRCh37 (hg19) VCF-style: chr21-45706962-G-C.
Other names: short protein forms E137Q.
Identifiers: ClinVar variation 4803229 (VCV004803229.1).
Genomic context (GRCh38, chr21:44,287,079, plus strand): 5'-GCCGTCCCCAAGGCTTTGGTACCGCCACCCAGACTCCCCACCAAGAGGAAGGCCTCAGAA[G>C]AGGCTCGAGCTGCCGCGCCAGCAGCCCTGACTCCAAGGGGCACCGCCAGCCCAGGTACCC-3'
Protein context (NP_000374.1, residues 127-147): RLPTKRKASE[Glu137Gln]ARAAAPAALT